The following is an entry in ClinVar:

ClinVar aggregate classification (germline): Uncertain significance (1 of 4 stars; one submission).

Conditions:
Leukoencephalopathy with mild cerebellar ataxia and white matter edema (LKPAT). Also called: CLCN2-Related Leukoencephalopathy; Leukoencephalopathy with ataxia; Leukoencephalopathy with white matter edema; Brain white matter edema. Identifiers: Orphanet 363540, MedGen C4554120, MONDO:0014292, OMIM 615651. Disease mechanism: loss of function.

gnomAD v4.1: 1 of 1,596,748 alleles (0.000063%); highest among the groups gnomAD compares: Non-Finnish European, 0.000085%; no homozygotes.

Submission:

Victorian Clinical Genetics Services, Murdoch Childrens Research Institute
Classification: Uncertain significance for Leukoencephalopathy with mild cerebellar ataxia and white matter edema. Last evaluated: 2021-05-06. Review status: criteria provided, single submitter. Criteria: ACMG Guidelines, 2015. Collection method: clinical testing. Allele origin: germline. Inheritance: Autosomal recessive inheritance. Affected: yes.
Comment: Based on the classification scheme VCGS_Germline_v1.3.4, this variant is classified as VUS-3A. Following criteria are met: 0103 - Loss of function and gain of function are known mechanisms of disease in this gene and are associated with leukoencephalopathy with ataxia (MIM#615651) and hyperaldosteronism, familial, type II (MIM#605635), respectively (PMID: 29403011, 23707145). (I) 0108 - This gene is associated with both recessive and dominant disease. Autosomal recessive leukoencephalopathy with ataxia (MIM#615651) are mostly associated with null variants while autosomal dominant hyperaldosteronism, familial, type II (MIM#605635) are associated with missense variants (PMID: 31291907, 29403011). (I) 0200 - Variant is predicted to result in a missense amino acid change from alanine to valine. (I) 0251 - This variant is heterozygous. (I) 0301 - Variant is absent from gnomAD (both v2 and v3). (SP) 0309 - Multiple alternative amino acid changes at the same position have been observed in gnomAD (highest allele count: 1 heterozygote, 0 homozygotes). (I) 0501 - Missense variant consistently predicted to be damaging by multiple in silico tools or highly conserved with a major amino acid change. (SP) 0600 - Variant is located in the annotated CIC-1 like chloride channel domain (NCBI). (I) 0705 - No comparable missense variants have previous evidence for pathogenicity. (I) 0807 - This variant has no previous evidence of pathogenicity. (I) 0905 - No published segregation evidence has been identified for this variant. (I) 1007 - No published functional evidence has been identified for this variant. (I) 1102 - Strong phenotype match for this individual. (SP) 1208 - Inheritance information for this variant is not currently available in this individual. (I) Legend: (SP) - Supporting pathogenic, (I) - Information, (SB) - Supporting benign

Literature cited by the submitters: PubMed 23707145; PubMed 29403011; PubMed 31291907.

NM_004366.6(CLCN2):c.305C>T (p.Ala102Val)

Gene: CLCN2 (chloride voltage-gated channel 2; minus strand). Cytogenetic location: 3q27.1.
Variant type: single nucleotide variant.
Coding change: c.305C>T on transcript NM_004366.6 (MANE Select); coding-DNA position 305, C replaced by T.
Protein change: p.Ala102Val; replaces alanine 102 with valine.
Molecular consequence: missense variant. On other transcripts: intron variant (1).
Genome position (GRCh38, 1-based): chr3:184,358,729, G>A on the plus strand (C>T on the coding strand, the complement: CLCN2 is on the minus strand). VCF-style: chr3-184358729-G-A. GRCh37 (hg19) VCF-style: chr3-184076517-G-A.
Other names: c.305C>T, p.Ala102Val (NM_001171087.3, NM_001171089.3); c.220+246C>T (NM_001171088.3); short protein forms A102V.
Identifiers: ClinVar variation 3377313 (VCV003377313.1).